The following is an entry in ClinVar:

NM_001271862.2(PNLDC1):c.940-1G>C

Gene: PNLDC1 (PARN like ribonuclease domain containing exonuclease 1; plus strand). Cytogenetic location: 6q25.3.
Variant type: single nucleotide variant.
Coding change: c.940-1G>C on transcript NM_001271862.2 (MANE Select); the canonical splice acceptor site of the intron before coding-DNA position 940, G replaced by C.
Molecular consequence: splice acceptor variant.
Genome position (GRCh38, 1-based): chr6:159,813,600, G>C. VCF-style: chr6-159813600-G-C. GRCh37 (hg19) VCF-style: chr6-160234632-G-C.
Other names: c.907-1G>C (NM_173516.3).
Identifiers: ClinVar variation 5010155 (VCV005010155.1).

ClinVar aggregate classification (germline): Pathogenic (1 of 4 stars; one submission).

Conditions:
Spermatogenic failure 57. Identifiers: MedGen C5561988, MONDO:0030439, OMIM 619528.

Submission:

MVZ Medizinische Genetik Mainz
Classification: Pathogenic for Spermatogenic failure 57. Last evaluated: 2026-08-11. Review status: criteria provided, single submitter. Criteria: UK Practice Guidelines For Variant Classification V4 01 2020. Collection method: clinical testing. Allele origin: germline. Inheritance: Autosomal recessive inheritance. Affected: yes. Observed: 1 variant allele.
Comment: ACMG Criteria: PVS1,PM2_SUP,PM3_SUP